The following is an entry in ClinVar:

ClinVar aggregate classification (germline): Uncertain significance. Review status: criteria provided, multiple submitters, no conflicts (2 of 4 stars). 3 submissions from 3 submitters: Uncertain significance (3). Last evaluated 2025-07-17.

Conditions:
Inborn genetic diseases. Identifiers: MedGen C0950123, MeSH D030342.
Monocytopenia with susceptibility to infections. Also called: IMMUNODEFICIENCY 21; GATA2 DEFICIENCY; MONOCYTOPENIA AND MYCOBACTERIAL INFECTION SYNDROME; MONOCYTOPENIA WITH SUSCEPTIBILITY TO MYCOBACTERIAL, FUNGAL, AND PAPILLOMAVIRUS INFECTIONS AND MYELODYSPLASIA; COMBINED IMMUNODEFICIENCY WITH SUSCEPTIBILITY TO MYCOBACTERIAL, VIRAL, AND FUNGAL INFECTIONS; Dendritic cell, monocyte, B lymphocyte, and natural killer lymphocyte deficiency. Identifiers: Orphanet 228423, MedGen C3280030, MONDO:0013607, OMIM 614172.
Deafness-lymphedema-leukemia syndrome. Also called: Lymphedema, primary, with myelodysplasia; Emberger syndrome. Identifiers: Orphanet 3226, MedGen C3279664, MONDO:0013540, OMIM 614038.

Submissions (3):

Ambry Genetics
Classification: Uncertain significance for Inborn genetic diseases. Last evaluated: 2025-07-17. Review status: criteria provided, single submitter. Criteria: Ambry Variant Classification Scheme 2023. Collection method: clinical testing. Allele origin: germline.
Comment: The p.A190T variant (also known as c.568G>A), located in coding exon 2 of the GATA2 gene, results from a G to A substitution at nucleotide position 568. The alanine at codon 190 is replaced by threonine, an amino acid with similar properties. This amino acid position is well conserved in available vertebrate species. In addition, the in silico prediction for this alteration is inconclusive. Based on the available evidence, the clinical significance of this variant remains unclear.

Mayo Clinic Laboratories, Mayo Clinic
Classification: Uncertain significance. Last evaluated: 2025-05-27. Review status: criteria provided, single submitter. Criteria: ACMG Guidelines, 2015. Collection method: clinical testing. Allele origin: germline. Observed: 1 variant allele.
Comment: PM2_supporting

Labcorp Genetics (formerly Invitae), Labcorp
Classification: Uncertain significance for Monocytopenia with susceptibility to infections; Deafness-lymphedema-leukemia syndrome. Last evaluated: 2023-04-11. Review status: criteria provided, single submitter. Criteria: Invitae Variant Classification Sherloc (09022015). Collection method: clinical testing. Allele origin: germline.
Comment: In summary, the available evidence is currently insufficient to determine the role of this variant in disease. Therefore, it has been classified as a Variant of Uncertain Significance. Advanced modeling of protein sequence and biophysical properties (such as structural, functional, and spatial information, amino acid conservation, physicochemical variation, residue mobility, and thermodynamic stability) performed at Invitae indicates that this missense variant is not expected to disrupt GATA2 protein function. ClinVar contains an entry for this variant (Variation ID: 655189). This variant has not been reported in the literature in individuals affected with GATA2-related conditions. This variant is not present in population databases (gnomAD no frequency). This sequence change replaces alanine, which is neutral and non-polar, with threonine, which is neutral and polar, at codon 190 of the GATA2 protein (p.Ala190Thr).

NM_032638.5(GATA2):c.568G>A (p.Ala190Thr)

Gene: GATA2 (GATA binding protein 2; minus strand). Cytogenetic location: 3q21.3.
Variant type: single nucleotide variant.
Coding change: c.568G>A on transcript NM_032638.5 (MANE Select); coding-DNA position 568, G replaced by A.
Protein change: p.Ala190Thr; replaces alanine 190 with threonine.
Molecular consequence: missense variant.
Genome position (GRCh38, 1-based): chr3:128,486,030, C>T on the plus strand (G>A on the coding strand, the complement: GATA2 is on the minus strand). VCF-style: chr3-128486030-C-T. GRCh37 (hg19) VCF-style: chr3-128204873-C-T.
Other names: p.Ala190Thr; c.568G>A, p.Ala190Thr (NM_001145661.2, NM_001145662.1); short protein forms A190T.
Identifiers: ClinVar variation 655189 (VCV000655189.10), dbSNP rs202162468, ClinGen allele CA354406499.